The following is an entry in ClinVar:

NM_020778.5(ALPK3):c.5014C>T (p.Pro1672Ser)

Gene: ALPK3 (alpha kinase 3; plus strand). Cytogenetic location: 15q25.3.
Variant type: single nucleotide variant.
Coding change: c.5014C>T on transcript NM_020778.5 (MANE Select); coding-DNA position 5014, C replaced by T.
Protein change: p.Pro1672Ser; replaces proline 1672 with serine.
Molecular consequence: missense variant.
Genome position (GRCh38, 1-based): chr15:84,868,352, C>T. VCF-style: chr15-84868352-C-T. GRCh37 (hg19) VCF-style: chr15-85411583-C-T.
Other names: c.5620C>T (NM_020778.4); short protein forms P1672S.
Identifiers: ClinVar variation 2697822 (VCV002697822.4), dbSNP rs1964026449, ClinGen allele CA393366208.

ClinVar aggregate classification (germline): Uncertain significance. Review status: criteria provided, multiple submitters, no conflicts (2 of 4 stars). 2 submissions from 2 submitters: Uncertain significance (2). Last evaluated 2025-01-09.

Conditions:
Cardiovascular phenotype. Identifiers: MedGen CN230736.

Allele frequency attached by ClinVar (database versions not stated): gnomAD exomes below 0.00001.
gnomAD v4.1: 1 of 1,614,098 alleles (0.000062%); highest among the groups gnomAD compares: Non-Finnish European, 0.000085%; no homozygotes.

Submissions (2):

Ambry Genetics
Classification: Uncertain significance for Cardiovascular phenotype. Last evaluated: 2025-01-09. Review status: criteria provided, single submitter. Criteria: Ambry Variant Classification Scheme 2023. Collection method: clinical testing. Allele origin: germline.

Labcorp Genetics (formerly Invitae), Labcorp
Classification: Uncertain significance. Last evaluated: 2024-02-21. Review status: criteria provided, single submitter. Criteria: Invitae Variant Classification Sherloc (09022015). Collection method: clinical testing. Allele origin: germline.
Comment: This sequence change replaces proline, which is neutral and non-polar, with serine, which is neutral and polar, at codon 1874 of the ALPK3 protein (p.Pro1874Ser). This variant is not present in population databases (gnomAD no frequency). This variant has not been reported in the literature in individuals affected with ALPK3-related conditions. Algorithms developed to predict the effect of missense changes on protein structure and function output the following: SIFT: "Not Available"; PolyPhen-2: "Benign"; Align-GVGD: "Not Available". The serine amino acid residue is found in multiple mammalian species, which suggests that this missense change does not adversely affect protein function. In summary, the available evidence is currently insufficient to determine the role of this variant in disease. Therefore, it has been classified as a Variant of Uncertain Significance.